The following is an entry in ClinVar:

ClinVar aggregate classification (germline): Uncertain significance (1 of 4 stars; one submission).

Submission:

Labcorp Genetics (formerly Invitae), Labcorp
Classification: Uncertain significance. Last evaluated: 2024-08-06. Review status: criteria provided, single submitter. Criteria: Invitae Variant Classification Sherloc (09022015). Collection method: clinical testing. Allele origin: germline.
Comment: This sequence change replaces leucine, which is neutral and non-polar, with arginine, which is basic and polar, at codon 1332 of the ERBIN protein (p.Leu1332Arg). This variant is not present in population databases (gnomAD no frequency). This variant has not been reported in the literature in individuals affected with ERBIN-related conditions. An algorithm developed to predict the effect of missense changes on protein structure and function (PolyPhen-2) suggests that this variant is likely to be disruptive. In summary, the available evidence is currently insufficient to determine the role of this variant in disease. Therefore, it has been classified as a Variant of Uncertain Significance.

NM_001253697.2(ERBIN):c.3995T>G (p.Leu1332Arg)

Gene: ERBIN (erbb2 interacting protein; plus strand). Cytogenetic location: 5q12.3.
Variant type: single nucleotide variant.
Coding change: c.3995T>G on transcript NM_001253697.2 (MANE Select); coding-DNA position 3995, T replaced by G.
Protein change: p.Leu1332Arg; replaces leucine 1332 with arginine.
Molecular consequence: missense variant.
Genome position (GRCh38, 1-based): chr5:66,076,347, T>G. VCF-style: chr5-66076347-T-G. GRCh37 (hg19) VCF-style: chr5-65372175-T-G.
Other names: c.3665T>G, p.Leu1222Arg (NM_001006600.3); c.3872T>G, p.Leu1291Arg (NM_001253698.2, NM_018695.4); c.4016T>G, p.Leu1339Arg (NM_001253699.2); c.3860T>G, p.Leu1287Arg (NM_001253701.2); short protein forms L1291R, L1222R, L1339R, L1287R, L1332R.
Identifiers: ClinVar variation 3661580 (VCV003661580.2).
Genomic context (GRCh38, chr5:66,076,347, plus strand): 5'-AAGTTTCCTTTATTTTCATATTAACTCAGATTCGAGTGAGGGTTGAAAAGGATCCAGAAC[T>G]TGGATTTAGCATATCAGGTGGTGTCGGGGGTAGAGGAAACCCATTCAGACCTGATGATGA-3'
Protein context (NP_001240626.1, residues 1322-1342): IRVRVEKDPE[Leu1332Arg]GFSISGGVGG